The following is an entry in ClinVar:

NM_194454.3(KRIT1):c.506C>G (p.Ala169Gly)

Gene: KRIT1 (KRIT1 ankyrin repeat containing; minus strand). Cytogenetic location: 7q21.2.
Variant type: single nucleotide variant.
Coding change: c.506C>G on transcript NM_194454.3 (MANE Select); coding-DNA position 506, C replaced by G.
Protein change: p.Ala169Gly; replaces alanine 169 with glycine.
Molecular consequence: missense variant. On other transcripts: 5 prime UTR variant (1).
Genome position (GRCh38, 1-based): chr7:92,235,626, G>C on the plus strand (C>G on the coding strand, the complement: KRIT1 is on the minus strand). VCF-style: chr7-92235626-G-C. GRCh37 (hg19) VCF-style: chr7-91864940-G-C.
Other names: c.506C>G, p.Ala169Gly (NM_001350693.1, NM_001350697.1, NM_004912.4 and 29 more transcripts); c.-78C>G (NM_001350671.1); short protein forms A169G.
Identifiers: ClinVar variation 2779905 (VCV002779905.3), dbSNP rs1485511158, ClinGen allele CA368161503.

ClinVar aggregate classification (germline): Uncertain significance (1 of 4 stars; one submission).

Conditions:
Cerebral cavernous malformation (CCM). Also called: Cavernous Hemangioma of Brain; Cerebral cavernous hemangioma (type); CAVERNOUS ANGIOMA, FAMILIAL; CAVERNOUS ANGIOMATOUS MALFORMATIONS; CEREBRAL CAPILLARY MALFORMATIONS; Cerebral cavernous malformations. Identifiers: Orphanet 221061, MedGen C2919945, MONDO:0000820, OMIM 116860, HP:0033522.

Submission:

Labcorp Genetics (formerly Invitae), Labcorp
Classification: Uncertain significance for Cerebral cavernous malformation. Last evaluated: 2025-06-12. Review status: criteria provided, single submitter. Criteria: Invitae Variant Classification Sherloc (09022015). Collection method: clinical testing. Allele origin: germline.
Comment: This sequence change replaces alanine, which is neutral and non-polar, with glycine, which is neutral and non-polar, at codon 169 of the KRIT1 protein (p.Ala169Gly). This variant is not present in population databases (gnomAD no frequency). This variant has not been reported in the literature in individuals affected with KRIT1-related conditions. ClinVar contains an entry for this variant (Variation ID: 2779905). Invitae Evidence Modeling of protein sequence and biophysical properties (such as structural, functional, and spatial information, amino acid conservation, physicochemical variation, residue mobility, and thermodynamic stability) indicates that this missense variant is not expected to disrupt KRIT1 protein function with a negative predictive value of 80%. In summary, the available evidence is currently insufficient to determine the role of this variant in disease. Therefore, it has been classified as a Variant of Uncertain Significance.